The following is an entry in ClinVar:

NM_000834.5(GRIN2B):c.3206C>T (p.Thr1069Ile)

Gene: GRIN2B (glutamate ionotropic receptor NMDA type subunit 2B; minus strand). Cytogenetic location: 12p13.1.
Variant type: single nucleotide variant.
Coding change: c.3206C>T on transcript NM_000834.5 (MANE Select); coding-DNA position 3206, C replaced by T.
Protein change: p.Thr1069Ile; replaces threonine 1069 with isoleucine.
Molecular consequence: missense variant.
Genome position (GRCh38, 1-based): chr12:13,564,032, G>A on the plus strand (C>T on the coding strand, the complement: GRIN2B is on the minus strand). VCF-style: chr12-13564032-G-A. GRCh37 (hg19) VCF-style: chr12-13716966-G-A.
Other names: c.3206C>T, p.Thr1069Ile (NM_001413992.1); short protein forms T1069I.
Identifiers: ClinVar variation 2008946 (VCV002008946.4), dbSNP rs2497469631, ClinGen allele CA383990455.
Genomic context (GRCh38, chr12:13,564,032, plus strand): 5'-AGGCTGTCCTTATATTGCTGCTTACGCCTCTTGGCGGCATTGCCCTCGATGTTCCCATAG[G>A]TGACGGTGTGGGTTGAGATGTCAGAGACATCGGAGCGGATCAAGTCGTCGTGGCCACTGT-3'
Protein context (NP_000825.2, residues 1059-1079): DVSDISTHTV[Thr1069Ile]YGNIEGNAAK

ClinVar aggregate classification (germline): Uncertain significance (1 of 4 stars; one submission).

Conditions:
Developmental and epileptic encephalopathy, 27 (DEE27). Also called: GRIN2B-Related Neurodevelopmental Disorder; Epileptic encephalopathy, early infantile, 27. Identifiers: Orphanet 3451, MedGen C4015316, MONDO:0014505, OMIM 616139.
Intellectual developmental disorder, autosomal dominant 6, with or without seizures. Also called: GRIN2B-related developmental delay, intellectual disability and autism spectrum disorder; Intellectual disability, autosomal dominant 6. Identifiers: Orphanet 589547, MedGen C3151411, MONDO:0013509, OMIM 613970.

Submission:

Labcorp Genetics (formerly Invitae), Labcorp
Classification: Uncertain significance for Developmental and epileptic encephalopathy, 27; Intellectual developmental disorder, autosomal dominant 6, with or without seizures. Last evaluated: 2022-06-22. Review status: criteria provided, single submitter. Criteria: Invitae Variant Classification Sherloc (09022015). Collection method: clinical testing. Allele origin: germline.
Comment: In summary, the available evidence is currently insufficient to determine the role of this variant in disease. Therefore, it has been classified as a Variant of Uncertain Significance. Advanced modeling of protein sequence and biophysical properties (such as structural, functional, and spatial information, amino acid conservation, physicochemical variation, residue mobility, and thermodynamic stability) performed at Invitae indicates that this missense variant is not expected to disrupt GRIN2B protein function. This variant has not been reported in the literature in individuals affected with GRIN2B-related conditions. This variant is not present in population databases (gnomAD no frequency). This sequence change replaces threonine, which is neutral and polar, with isoleucine, which is neutral and non-polar, at codon 1069 of the GRIN2B protein (p.Thr1069Ile).